The following is an entry in ClinVar:

ClinVar aggregate classification (germline): Uncertain significance (1 of 4 stars; one submission).

gnomAD v4.1: 10 of 1,614,052 alleles (0.00062%); highest among the groups gnomAD compares: South Asian, 0.0011%; no homozygotes.

Submission:

Dasa
Classification: Uncertain significance. Last evaluated: 2025-04-30. Review status: criteria provided, single submitter. Criteria: DASA Assertion Criteria. Collection method: clinical testing. Allele origin: germline.
Comment: NM_017534.6(MYH2):c.3638T>C (p.Ile1213Thr) is a missense variant that results in the substitution of isoleucine with threonine. This variant is rare in population databases. Computational prediction algorithms are consistent with a deleterious effect. The currently available literature and clinical evidence are not sufficient to establish a definitive association between this variant and the reported condition. Therefore, this variant is classified as a variant of uncertain significance.

NM_017534.6(MYH2):c.3638T>C (p.Ile1213Thr)

Genes: MYH2 (myosin heavy chain 2; minus strand), MYHAS (myosin heavy chain gene cluster antisense RNA; plus strand). Cytogenetic location: 17p13.1.
Variant type: single nucleotide variant.
Coding change: c.3638T>C on transcript NM_017534.6 (MANE Select); coding-DNA position 3638, T replaced by C.
Protein change: p.Ile1213Thr; replaces isoleucine 1213 with threonine.
Molecular consequence: missense variant.
Genome position (GRCh38, 1-based): chr17:10,528,796, A>G on the plus strand (T>C on the coding strand, the complement: MYH2 is on the minus strand). VCF-style: chr17-10528796-A-G. GRCh37 (hg19) VCF-style: chr17-10432113-A-G.
Other names: c.3638T>C, p.Ile1213Thr (NM_001100112.2); short protein forms I1213T.
Identifiers: ClinVar variation 4885992 (VCV004885992.2).